The following is an entry in ClinVar:

NM_173689.7(CRB2):c.1928A>C (p.Glu643Ala)

Gene: CRB2 (crumbs cell polarity complex component 2; plus strand). Cytogenetic location: 9q33.3.
Variant type: single nucleotide variant.
Coding change: c.1928A>C on transcript NM_173689.7 (MANE Select); coding-DNA position 1928, A replaced by C.
Protein change: p.Glu643Ala; replaces glutamic acid 643 with alanine.
Molecular consequence: missense variant. On other transcripts: non-coding transcript variant (1).
Genome position (GRCh38, 1-based): chr9:123,371,070, A>C. VCF-style: chr9-123371070-A-C. GRCh37 (hg19) VCF-style: chr9-126133349-A-C.
Other names: short protein forms E643A.
Identifiers: ClinVar variation 180706 (VCV000180706.13), dbSNP rs730880300, ClinGen allele CA185952.
Genomic context (GRCh38, chr9:123,371,070, plus strand): 5'-ACCTGAGATCTGCCTCCCTCAGCCTGCAGGCCTCACACCTGGCACCTTCTCTCCCTGCAG[A>C]GATTCCTGCTGCCACCTTTGGCTTGGGAGGCGCCCCAAGCTCTGCCTCCTTTCTGCTCCA-3'
Protein context (NP_775960.4, residues 633-653): RPHRGPTCAD[Glu643Ala]IPAATFGLGG

ClinVar aggregate classification (germline): Conflicting classifications of pathogenicity. Review status: criteria provided, conflicting classifications (1 of 4 stars). 3 submissions from 3 submitters: Likely pathogenic (1); Likely benign (1). 1 of the submissions does not count toward it. Last evaluated 2024-02-23.

Conditions:
Ventriculomegaly-cystic kidney disease. Also called: Ventriculomegaly with cystic kidney disease. Identifiers: Orphanet 443988, MedGen C1857423, MONDO:0009063, OMIM 219730.

Allele frequency attached by ClinVar (database versions not stated): TOPMed 0.00005; gnomAD exomes 0.00010 and 0.00004; ExAC 0.00004; gnomAD 0.00004.
gnomAD v4.1: 71 of 1,611,246 alleles (0.0044%); highest among the groups gnomAD compares: African/African-American, 0.0013%; no homozygotes.

Submissions (3):

Labcorp Genetics (formerly Invitae), Labcorp
Classification: Likely benign. Last evaluated: 2024-02-23. Review status: criteria provided, single submitter. Criteria: Invitae Variant Classification Sherloc (09022015). Collection method: clinical testing. Allele origin: germline.

GeneDx
Classification: Likely pathogenic. Last evaluated: 2017-02-23. Review status: criteria provided, single submitter. Criteria: GeneDx Variant Classification (06012015). Collection method: clinical testing. Allele origin: germline. Affected: yes.
Comment: The E643A variant in the CRB2 gene has been reported previously with another CRB2 variant in several individuals with features of CRB2-related disorder (Slavotinek et al., 2015; Lamont et al., 2016). The E643A variant is not observed at a significant frequency in large population cohorts (Lek et al., 2016; 1000 Genomes Consortium et al., 2015; Exome Variant Server). The E643A variant is a non-conservative amino acid substitution, which is likely to impact secondary protein structure as these residues differ in polarity, charge, size and/or other properties. This substitution occurs at a position that is conserved in mammals. In silico analysis predicts this variant is probably damaging to the protein structure/function.

OMIM
Classification: Pathogenic for VENTRICULOMEGALY WITH CYSTIC KIDNEY DISEASE. Last evaluated: 2015-01-08. Review status: no assertion criteria provided. Collection method: literature only. Allele origin: germline. Not counted in ClinVar's aggregate classification.

Literature cited by the submitters: PubMed 25557780 (cited by OMIM).